The following is an entry in ClinVar:

NM_206933.4(USH2A):c.2251del (p.Leu751fs)

Gene: USH2A (usherin; minus strand). Cytogenetic location: 1q41.
Variant type: Deletion.
Coding change: c.2251del on transcript NM_206933.4 (MANE Select); coding-DNA position 2251, one base deleted (C; older notation c.2251delC).
Protein change: p.Leu751fs; shifts the reading frame from leucine 751.
Molecular consequence: frameshift variant.
Genome position (GRCh38, 1-based): chr1:216,247,143, G deleted on the plus strand (C on the coding strand, the reverse complement: USH2A is on the minus strand); the first of 2 consecutive G bases (chr1:216,247,143-216,247,144); deleting either gives the same sequence. VCF-style (leftmost placement, unchanged base first): chr1-216247142-AG-A. GRCh37 (hg19) VCF-style: chr1-216420484-AG-A.
Other names: c.2251del, p.Leu751fs (NM_007123.6); short protein forms L751fs.
Identifiers: ClinVar variation 2026055 (VCV002026055.4), dbSNP rs2528163651, ClinGen allele CA2580062151.

ClinVar aggregate classification (germline): Pathogenic (1 of 4 stars; one submission).

Submission:

Labcorp Genetics (formerly Invitae), Labcorp
Classification: Pathogenic. Last evaluated: 2022-08-22. Review status: criteria provided, single submitter. Criteria: Invitae Variant Classification Sherloc (09022015). Collection method: clinical testing. Allele origin: germline.
Comment: This sequence change creates a premature translational stop signal (p.Leu751Serfs*5) in the USH2A gene. It is expected to result in an absent or disrupted protein product. Loss-of-function variants in USH2A are known to be pathogenic (PMID: 10729113, 10909849, 20507924, 25649381). This variant is not present in population databases (gnomAD no frequency). This variant has not been reported in the literature in individuals affected with USH2A-related conditions. For these reasons, this variant has been classified as Pathogenic.

Literature cited by the submitters: PubMed 10729113; PubMed 10909849; PubMed 20507924; PubMed 25649381.